The following is an entry in ClinVar:

ClinVar aggregate classification (germline): Likely benign. Review status: criteria provided, single submitter (1 of 4 stars). 2 submissions from 2 submitters: Likely benign (1). 1 of the submissions does not count toward it. Last evaluated 2022-03-07.

Conditions:
Hereditary cancer-predisposing syndrome. Also called: Neoplastic Syndromes, Hereditary; Tumor predisposition; Hereditary Cancer Syndrome; Hereditary neoplastic syndrome. Identifiers: Orphanet 140162, MedGen C0027672, MeSH D009386, MONDO:0015356.
Cardiovascular phenotype. Identifiers: MedGen CN230736.
LZTR1-related disorder. Also called: LZTR1-related disorders; LZTR1-related condition.

gnomAD v4.1: 5 of 1,613,984 alleles (0.00031%); highest among the groups gnomAD compares: Non-Finnish European, 0.00042%; no homozygotes.

Submissions (2):

Ambry Genetics
Classification: Likely benign for Cardiovascular phenotype; Hereditary cancer-predisposing syndrome. Last evaluated: 2022-03-07. Review status: criteria provided, single submitter. Criteria: Ambry Variant Classification Scheme 2023. Collection method: clinical testing. Allele origin: germline.

PreventionGenetics, part of Exact Sciences
Classification: Likely benign for LZTR1-related condition. Last evaluated: 2020-09-18. Review status: no assertion criteria provided. Collection method: clinical testing. Allele origin: germline. Not counted in ClinVar's aggregate classification.
Comment: This variant is classified as likely benign based on ACMG/AMP sequence variant interpretation guidelines (Richards et al. 2015 PMID: 25741868, with internal and published modifications).

NM_006767.4(LZTR1):c.1084C>A (p.Arg362=)

Gene: LZTR1 (leucine zipper like post translational regulator 1; plus strand). Cytogenetic location: 22q11.21.
Variant type: single nucleotide variant.
Coding change: c.1084C>A on transcript NM_006767.4 (MANE Select); coding-DNA position 1084, C replaced by A.
Protein change: p.Arg362=; no amino-acid change (arginine 362 retained).
Molecular consequence: synonymous variant.
Genome position (GRCh38, 1-based): chr22:20,992,304, C>A. VCF-style: chr22-20992304-C-A. GRCh37 (hg19) VCF-style: chr22-21346593-C-A.
Identifiers: ClinVar variation 1787227 (VCV001787227.4), dbSNP rs189150283, ClinGen allele CA513492277.